The following is an entry in ClinVar:

ClinVar aggregate classification (germline): Uncertain significance (1 of 4 stars; one submission).

Conditions:
Autosomal dominant hypocalcemia 1 (HYPOC1). Also called: HYPOCALCEMIA, FAMILIAL. Identifiers: MedGen C3715128, MONDO:0011013, OMIM 601198.
Familial hypocalciuric hypercalcemia (FHH). Also called: Familial benign hypercalcemia. Identifiers: Orphanet 405, MedGen C1809471, MONDO:0018458.

Allele frequency attached by ClinVar (database versions not stated): gnomAD exomes below 0.00001.
gnomAD v4.1: 1 of 1,614,018 alleles (0.000062%); highest among the groups gnomAD compares: Non-Finnish European, 0.000085%; no homozygotes.

Submission:

Labcorp Genetics (formerly Invitae), Labcorp
Classification: Uncertain significance for Familial hypocalciuric hypercalcemia; Autosomal dominant hypocalcemia 1. Last evaluated: 2019-12-19. Review status: criteria provided, single submitter. Criteria: Invitae Variant Classification Sherloc (09022015). Collection method: clinical testing. Allele origin: germline.
Comment: This variant has not been reported in the literature in individuals with CASR-related conditions. In summary, the available evidence is currently insufficient to determine the role of this variant in disease. Therefore, it has been classified as a Variant of Uncertain Significance. Algorithms developed to predict the effect of missense changes on protein structure and function (SIFT, PolyPhen-2, Align-GVGD) all suggest that this variant is likely to be disruptive, but these predictions have not been confirmed by published functional studies and their clinical significance is uncertain. This variant is not present in population databases (ExAC no frequency). This sequence change replaces proline with serine at codon 748 of the CASR protein (p.Pro748Ser). The proline residue is highly conserved and there is a moderate physicochemical difference between proline and serine.

NM_000388.4(CASR):c.2242C>T (p.Pro748Ser)

Gene: CASR (calcium sensing receptor; plus strand). Cytogenetic location: 3q21.1.
Variant type: single nucleotide variant.
Coding change: c.2242C>T on transcript NM_000388.4 (MANE Select); coding-DNA position 2242, C replaced by T.
Protein change: p.Pro748Ser; replaces proline 748 with serine.
Molecular consequence: missense variant.
Genome position (GRCh38, 1-based): chr3:122,284,196, C>T. VCF-style: chr3-122284196-C-T. GRCh37 (hg19) VCF-style: chr3-122003043-C-T.
Other names: c.2272C>T, p.Pro758Ser (NM_001178065.2); short protein forms P748S, P758S.
Identifiers: ClinVar variation 838698 (VCV000838698.10), dbSNP rs2074934184, ClinGen allele CA354159167.